The following is an entry in ClinVar:

NM_001035.3(RYR2):c.4851G>T (p.Trp1617Cys)

Gene: RYR2 (ryanodine receptor 2; plus strand). Cytogenetic location: 1q43.
Variant type: single nucleotide variant.
Coding change: c.4851G>T on transcript NM_001035.3 (MANE Select); coding-DNA position 4851, G replaced by T.
Protein change: p.Trp1617Cys; replaces tryptophan 1617 with cysteine.
Molecular consequence: missense variant.
Genome position (GRCh38, 1-based): chr1:237,610,929, G>T. VCF-style: chr1-237610929-G-T. GRCh37 (hg19) VCF-style: chr1-237774229-G-T.
Other names: short protein forms W1617C.
Identifiers: ClinVar variation 2587835 (VCV002587835.3), dbSNP rs376104380, ClinGen allele CA086751.
Genomic context (GRCh38, chr1:237,610,929, plus strand): 5'-CAGAATGCCCAACCAGTTTTTGAAGGTAGATGTGTCTCGAATAAGTGAACGCCAAGGCTG[G>T]TTGGTGCAGTGTTTGGATCCTCTGCAGTTCATGTCTCTTCATATCCCTGAGGAAAACAGG-3'
Protein context (NP_001026.2, residues 1607-1627): DVSRISERQG[Trp1617Cys]LVQCLDPLQF

ClinVar aggregate classification (germline): Uncertain significance. Review status: criteria provided, multiple submitters, no conflicts (2 of 4 stars). 2 submissions from 2 submitters: Uncertain significance (2). Last evaluated 2024-08-20.

Conditions:
Cardiovascular phenotype. Identifiers: MedGen CN230736.
Cardiomyopathy (CMYO). Also called: Cardiomyopathies. Identifiers: Orphanet 167848, MedGen C0878544, MONDO:0004994, HP:0001638. Inheritance: Various modes of inheritance.

Allele frequency attached by ClinVar (database versions not stated): ESP Exome Variant Server 0.00008; ExAC 0.00001; gnomAD 0.00001.
gnomAD v4.1: 1 of 1,613,442 alleles (0.000062%); highest among the groups gnomAD compares: African/African-American, 0.0013%; no homozygotes.

Submissions (2):

Color Diagnostics, LLC DBA Color Health
Classification: Uncertain significance for Cardiomyopathy. Last evaluated: 2024-08-20. Review status: criteria provided, single submitter. Criteria: ACMG Guidelines, 2015. Collection method: clinical testing. Allele origin: germline.
Comment: This missense variant replaces tryptophan with cysteine at codon 1617 of the RYR2 protein. Computational prediction suggests that this variant may have deleterious impact on protein structure and function. To our knowledge, functional studies have not been reported for this variant. This variant has not been reported in individuals affected with RYR2-related disorders in the literature. This variant has been identified in 1/248506 chromosomes in the general population by the Genome Aggregation Database (gnomAD). The available evidence is insufficient to determine the role of this variant in disease conclusively. Therefore, this variant is classified as a Variant of Uncertain Significance.

Ambry Genetics
Classification: Uncertain significance for Cardiovascular phenotype. Last evaluated: 2023-08-28. Review status: criteria provided, single submitter. Criteria: Ambry Variant Classification Scheme 2023. Collection method: clinical testing. Allele origin: germline.
Comment: The p.W1617C variant (also known as c.4851G>T), located in coding exon 36 of the RYR2 gene, results from a G to T substitution at nucleotide position 4851. The tryptophan at codon 1617 is replaced by cysteine, an amino acid with highly dissimilar properties. This amino acid position is highly conserved in available vertebrate species. In addition, this alteration is predicted to be deleterious by in silico analysis. Since supporting evidence is limited at this time, the clinical significance of this alteration remains unclear.